The following is an entry in ClinVar:

NM_000038.6(APC):c.2478G>A (p.Leu826=)

Gene: APC (APC regulator of Wnt signaling pathway; plus strand). Cytogenetic location: 5q22.2.
Variant type: single nucleotide variant.
Coding change: c.2478G>A on transcript NM_000038.6 (MANE Select); coding-DNA position 2478, G replaced by A.
Protein change: p.Leu826=; no amino-acid change (leucine 826 retained).
Molecular consequence: synonymous variant. On other transcripts: non-coding transcript variant (2).
Genome position (GRCh38, 1-based): chr5:112,838,072, G>A. VCF-style: chr5-112838072-G-A. GRCh37 (hg19) VCF-style: chr5-112173769-G-A.
Other names: c.2478G>A, p.Leu826= (NM_001127510.3, NM_001354895.2, NM_001407450.1); c.2424G>A, p.Leu808= (NM_001127511.3); c.2532G>A, p.Leu844= (NM_001354896.2, NM_001407447.1, NM_001407448.1 and 1 more transcripts); c.2508G>A, p.Leu836= (NM_001354897.2); c.2403G>A, p.Leu801= (NM_001354898.2); c.2394G>A, p.Leu798= (NM_001354899.2); c.2355G>A, p.Leu785= (NM_001354900.2); c.2301G>A, p.Leu767= (NM_001354901.2, NM_001407453.1); and 11 more.
Identifiers: ClinVar variation 2199732 (VCV002199732.5), dbSNP rs1765191275, ClinGen allele CA445962786.

ClinVar aggregate classification (germline): Benign/Likely benign. Review status: criteria provided, multiple submitters, no conflicts (2 of 4 stars). 2 submissions from 2 submitters: Benign (1); Likely benign (1). Last evaluated 2025-07-22.

Conditions:
Familial adenomatous polyposis 1 (FAP1). Also called: FAMILIAL ADENOMATOUS POLYPOSIS 1, ATTENUATED; POLYPOSIS, ADENOMATOUS INTESTINAL. Identifiers: MedGen C2713442, MONDO:0021056, OMIM 175100. Disease mechanism: loss of function.

Allele frequency attached by ClinVar (database versions not stated): TOPMed below 0.00001.

Submissions (2):

Labcorp Genetics (formerly Invitae), Labcorp
Classification: Likely benign for Familial adenomatous polyposis 1. Last evaluated: 2025-07-22. Review status: criteria provided, single submitter. Criteria: Invitae Variant Classification Sherloc (09022015). Collection method: clinical testing. Allele origin: germline.

Myriad Genetics, Inc.
Classification: Benign for Familial adenomatous polyposis 1. Last evaluated: 2024-03-14. Review status: criteria provided, single submitter. Criteria: Myriad Autosomal Dominant, Autosomal Recessive and X-Linked Classification Criteria (2023). Collection method: clinical testing. Allele origin: unknown.
Comment: This variant is considered benign. This variant is a silent/synonymous amino acid change and it is not expected to impact splicing.